The following is an entry in ClinVar:

ClinVar aggregate classification (germline): Benign/Likely benign. Review status: criteria provided, multiple submitters, no conflicts (2 of 4 stars). 3 submissions from 3 submitters: Benign (1); Likely benign (2). Last evaluated 2025-05-07.

Conditions:
POLD1-related polyposis and colorectal cancer syndrome (CRCS10). Also called: Colorectal cancer, susceptibility to, 10; Colorectal cancer 10; COLORECTAL CANCER, SUSCEPTIBILITY TO, ON CHROMOSOME 19q. Identifiers: Orphanet 220460, MedGen C2675481, MONDO:0012953, OMIM 612591.
Hereditary cancer-predisposing syndrome. Also called: Hereditary Cancer Syndrome; Hereditary neoplastic syndrome; Neoplastic Syndromes, Hereditary; Tumor predisposition. Identifiers: Orphanet 140162, MedGen C0027672, MeSH D009386, MONDO:0015356.

Allele frequency attached by ClinVar (database versions not stated): ExAC 0.00005.

Submissions (3):

Labcorp Genetics (formerly Invitae), Labcorp
Classification: Likely benign for POLD1-related polyposis and colorectal cancer syndrome. Last evaluated: 2025-05-07. Review status: criteria provided, single submitter. Criteria: Invitae Variant Classification Sherloc (09022015). Collection method: clinical testing. Allele origin: germline.

Myriad Genetics, Inc.
Classification: Benign for POLD1-related polyposis and colorectal cancer syndrome. Last evaluated: 2025-02-05. Review status: criteria provided, single submitter. Criteria: Myriad Autosomal Dominant, Autosomal Recessive and X-Linked Classification Criteria (2023). Collection method: clinical testing. Allele origin: unknown.
Comment: This variant is considered benign. This variant is a silent/synonymous amino acid change and it is not expected to impact splicing.

Ambry Genetics
Classification: Likely benign for Hereditary cancer-predisposing syndrome. Last evaluated: 2018-03-22. Review status: criteria provided, single submitter. Criteria: Ambry Variant Classification Scheme 2023. Collection method: clinical testing. Allele origin: germline.

NM_002691.4(POLD1):c.975C>T (p.Ile325=)

Gene: POLD1 (DNA polymerase delta 1, catalytic subunit; plus strand). Cytogenetic location: 19q13.33.
Variant type: single nucleotide variant.
Coding change: c.975C>T on transcript NM_002691.4 (MANE Select); coding-DNA position 975, C replaced by T.
Protein change: p.Ile325=; no amino-acid change (isoleucine 325 retained).
Molecular consequence: synonymous variant. On other transcripts: non-coding transcript variant (1).
Genome position (GRCh38, 1-based): chr19:50,403,057, C>T. VCF-style: chr19-50403057-C-T. GRCh37 (hg19) VCF-style: chr19-50906314-C-T.
Other names: c.975C>T, p.Ile325= (NM_001256849.1, NM_001308632.1).
Identifiers: ClinVar variation 823462 (VCV000823462.13), dbSNP rs747246607, ClinGen allele CA9595998.